The following is an entry in ClinVar:

NM_014585.6(SLC40A1):c.977G>T (p.Cys326Phe)

Gene: SLC40A1 (solute carrier family 40 member 1; minus strand). Cytogenetic location: 2q32.2.
Variant type: single nucleotide variant.
Coding change: c.977G>T on transcript NM_014585.6 (MANE Select); coding-DNA position 977, G replaced by T.
Protein change: p.Cys326Phe; replaces cysteine 326 with phenylalanine.
Molecular consequence: missense variant.
Genome position (GRCh38, 1-based): chr2:189,564,009, C>A on the plus strand (G>T on the coding strand, the complement: SLC40A1 is on the minus strand). VCF-style: chr2-189564009-C-A. GRCh37 (hg19) VCF-style: chr2-190428735-C-A.
Other names: short protein forms C326F.
Identifiers: ClinVar variation 2203235 (VCV002203235.4), dbSNP rs1227198230, ClinGen allele CA349987996.

ClinVar aggregate classification (germline): Likely pathogenic (1 of 4 stars; one submission).

Conditions:
Hemochromatosis type 4 (HFE4). Also called: HEMOCHROMATOSIS DUE TO DEFECT IN FERROPORTIN; HEMOCHROMATOSIS, AUTOSOMAL DOMINANT; Ferroportin disease. Identifiers: Orphanet 139491, Orphanet 647834, Orphanet 648562, MedGen C1853733, MONDO:0011631, OMIM 606069.

Submission:

Labcorp Genetics (formerly Invitae), Labcorp
Classification: Likely pathogenic for Hemochromatosis type 4. Last evaluated: 2022-02-12. Review status: criteria provided, single submitter. Criteria: Invitae Variant Classification Sherloc (09022015). Collection method: clinical testing. Allele origin: germline.
Comment: This sequence change replaces cysteine, which is neutral and slightly polar, with phenylalanine, which is neutral and non-polar, at codon 326 of the SLC40A1 protein (p.Cys326Phe). In summary, the currently available evidence indicates that the variant is pathogenic, but additional data are needed to prove that conclusively. Therefore, this variant has been classified as Likely Pathogenic. This variant disrupts the p.Cys326 amino acid residue in SLC40A1. Other variant(s) that disrupt this residue have been determined to be pathogenic (PMID: 15727899, 19383972). This suggests that this residue is clinically significant, and that variants that disrupt this residue are likely to be disease-causing. Algorithms developed to predict the effect of missense changes on protein structure and function (SIFT, PolyPhen-2, Align-GVGD) all suggest that this variant is likely to be tolerated. This missense change has been observed in individual(s) with clinical features of hereditary hemochromatosis (PMID: 26059880, 30130274; Invitae). In at least one individual the variant was observed to be de novo. This variant is not present in population databases (gnomAD no frequency).

Literature cited by the submitters: PubMed 15727899; PubMed 19383972; PubMed 26059880; PubMed 30130274.